The following is an entry in ClinVar:

NM_024596.5(MCPH1):c.1594C>A (p.Pro532Thr)

Gene: MCPH1 (microcephalin 1; plus strand). Cytogenetic location: 8p23.1.
Variant type: single nucleotide variant.
Coding change: c.1594C>A on transcript NM_024596.5 (MANE Select); coding-DNA position 1594, C replaced by A.
Protein change: p.Pro532Thr; replaces proline 532 with threonine.
Molecular consequence: missense variant. On other transcripts: non-coding transcript variant (1).
Genome position (GRCh38, 1-based): chr8:6,445,316, C>A. VCF-style: chr8-6445316-C-A. GRCh37 (hg19) VCF-style: chr8-6302837-C-A.
Other names: c.1594C>A, p.Pro532Thr (NM_001172574.2, NM_001322042.2, NM_001363979.1 and 3 more transcripts); c.1450C>A, p.Pro484Thr (NM_001172575.2); c.1588C>A, p.Pro530Thr (NM_001322043.2); c.1492C>A, p.Pro498Thr (NM_001322045.2); short protein forms P484T, P498T, P530T, P532T.
Identifiers: ClinVar variation 2577793 (VCV002577793.2), dbSNP rs781352813, ClinGen allele CA4610600.
Genomic context (GRCh38, chr8:6,445,316, plus strand): 5'-CAGGCTGGGAAAGAAGACGCATGCCCAGAGGGAAATGGCTTTTCTTACACCATTGAGGAC[C>A]CTGCTCTTCCAAAAGGACATGATGATGATTTAACTCCTTTGGAAGGAAGCCTTGAAGAAA-3'
Protein context (NP_078872.3, residues 522-542): GNGFSYTIED[Pro532Thr]ALPKGHDDDL

ClinVar aggregate classification (germline): Uncertain significance. Review status: criteria provided, multiple submitters, no conflicts (2 of 4 stars). 2 submissions from 2 submitters: Uncertain significance (2). Last evaluated 2024-12-25.

Conditions:
Inborn genetic diseases. Identifiers: MedGen C0950123, MeSH D030342.

Allele frequency attached by ClinVar (database versions not stated): ExAC 0.00002; gnomAD exomes 0.00002; gnomAD 0.00015; TOPMed 0.00015.
gnomAD v4.1: 48 of 1,614,082 alleles (0.003%); highest among the groups gnomAD compares: Admixed American, 0.06%; no homozygotes.

Submissions (2):

Ambry Genetics
Classification: Uncertain significance for Inborn genetic diseases. Last evaluated: 2024-12-25. Review status: criteria provided, single submitter. Criteria: Ambry Variant Classification Scheme 2023. Collection method: clinical testing. Allele origin: germline.

GeneDx
Classification: Uncertain significance. Last evaluated: 2023-02-24. Review status: criteria provided, single submitter. Criteria: GeneDx Variant Classification Process June 2021. Collection method: clinical testing. Allele origin: germline. Affected: yes.
Comment: In silico analysis supports that this missense variant does not alter protein structure/function; Has not been previously published as pathogenic or benign to our knowledge